The following is an entry in ClinVar:

NM_033305.3(VPS13A):c.6355del (p.Tyr2119fs)

Gene: VPS13A (vacuolar protein sorting 13 homolog A; plus strand). Cytogenetic location: 9q21.2.
Variant type: Deletion.
Coding change: c.6355del on transcript NM_033305.3 (MANE Select); coding-DNA position 6355, one base deleted (T; older notation c.6355delT).
Protein change: p.Tyr2119fs; shifts the reading frame from tyrosine 2119.
Molecular consequence: frameshift variant.
Genome position (GRCh38, 1-based): chr9:77,337,514, T deleted; the last of 2 consecutive T bases (chr9:77,337,513-77,337,514); deleting either gives the same sequence. VCF-style (leftmost placement, unchanged base first): chr9-77337512-CT-C. GRCh37 (hg19) VCF-style: chr9-79952428-CT-C.
Other names: c.6238del, p.Tyr2080fs (NM_001018037.2); c.6355del, p.Tyr2119fs (NM_001018038.3, NM_015186.4); short protein forms Y2080fs, Y2119fs.
Identifiers: ClinVar variation 5011559 (VCV005011559.1).

ClinVar aggregate classification (germline): Pathogenic (1 of 4 stars; one submission).

Conditions:
VPS13A-related neurodegenerative disease. Also called: ACANTHOCYTOSIS WITH NEUROLOGIC DISORDER; LEVINE-CRITCHLEY SYNDROME; Choreoacanthocytosis; Chorea-acanthocytosis; Choreaacanthocytosis; VPS13A Disease. Identifiers: Orphanet 2388, MedGen C0393576, MONDO:0008695, OMIM 200150.

Submission:

Myriad Genetics, Inc.
Classification: Pathogenic for VPS13A-related neurodegenerative disease. Last evaluated: 2023-09-05. Review status: criteria provided, single submitter. Criteria: Myriad Autosomal Dominant, Autosomal Recessive and X-Linked Classification Criteria (2023). Collection method: clinical testing. Allele origin: unknown.
Comment: NM_033305.2(VPS13A):c.6355delT(Y2119Tfs*7) is expected to be pathogenic in the context of VPS13A disease. This variant is predicted to lead to an abnormal or absent protein product due to the creation of a premature termination codon in VPS13A, a gene where loss-of-function variants are known to be pathogenic. Please note: this variant was assessed in the context of healthy population screening.